The following is an entry in ClinVar:

ClinVar aggregate classification (germline): Uncertain significance (1 of 4 stars; one submission).

Allele frequency attached by ClinVar (database versions not stated): gnomAD exomes below 0.00001.
gnomAD v4.1: 2 of 1,610,464 alleles (0.00012%); highest among the groups gnomAD compares: South Asian, 0.0011%; no homozygotes.

Submission:

Labcorp Genetics (formerly Invitae), Labcorp
Classification: Uncertain significance. Last evaluated: 2022-08-09. Review status: criteria provided, single submitter. Criteria: Invitae Variant Classification Sherloc (09022015). Collection method: clinical testing. Allele origin: germline.
Comment: In summary, the available evidence is currently insufficient to determine the role of this variant in disease. Therefore, it has been classified as a Variant of Uncertain Significance. Algorithms developed to predict the effect of missense changes on protein structure and function are either unavailable or do not agree on the potential impact of this missense change (SIFT: "Deleterious"; PolyPhen-2: "Probably Damaging"; Align-GVGD: "Class C0"). This variant has not been reported in the literature in individuals affected with CFAP410-related conditions. This variant is present in population databases (no rsID available, gnomAD 0.003%). This sequence change replaces cysteine, which is neutral and slightly polar, with arginine, which is basic and polar, at codon 100 of the CFAP410 protein (p.Cys100Arg).

NM_004928.3(CFAP410):c.298T>C (p.Cys100Arg)

Gene: CFAP410 (cilia and flagella associated protein 410; minus strand). Cytogenetic location: 21q22.3.
Variant type: single nucleotide variant.
Coding change: c.298T>C on transcript NM_004928.3 (MANE Select); coding-DNA position 298, T replaced by C.
Protein change: p.Cys100Arg; replaces cysteine 100 with arginine.
Molecular consequence: missense variant.
Genome position (GRCh38, 1-based): chr21:44,333,108, A>G on the plus strand (T>C on the coding strand, the complement: CFAP410 is on the minus strand). VCF-style: chr21-44333108-A-G. GRCh37 (hg19) VCF-style: chr21-45752991-A-G.
Other names: c.298T>C, p.Cys100Arg (NM_001271440.2, NM_001271441.2); c.175T>C, p.Cys59Arg (NM_001271442.1); short protein forms C100R, C59R.
Identifiers: ClinVar variation 2023308 (VCV002023308.4), dbSNP rs1167654237, ClinGen allele CA410456508.
Genomic context (GRCh38, chr21:44,333,108, plus strand): 5'-TCTGTAGGCGCGGCAGGGTGCGCAGCACGGTCATGCGGTAGCGGTGGGGGCTGGTGCCGC[A>G]GCACGGGTTCTCGGCCAGCCACAGCACCCGCAGACGCGGCAGCCCCTTCAGGTAGAAGAG-3'
Protein context (NP_004919.1, residues 90-110): RVLWLAENPC[Cys100Arg]GTSPHRYRMT